The following is an entry in ClinVar:

ClinVar aggregate classification (germline): Likely benign. Review status: criteria provided, multiple submitters, no conflicts (2 of 4 stars). 3 submissions from 3 submitters: Likely benign (2). 1 of the submissions does not count toward it. Last evaluated 2026-05-11.

Conditions:
HPS4-related disorder. Also called: HPS4-related condition.

Allele frequency attached by ClinVar (database versions not stated): ExAC 0.00003; TOPMed 0.00003; gnomAD exomes 0.00004; gnomAD 0.00005.
gnomAD v4.1: 60 of 1,613,924 alleles (0.0037%); highest among the groups gnomAD compares: Admixed American, 0.005%; no homozygotes.

Submissions (3):

Women's Health and Genetics/Laboratory Corporation of America, LabCorp
Classification: Likely benign. Last evaluated: 2026-05-11. Review status: criteria provided, single submitter. Criteria: LabCorp Variant Classification Summary - May 2015. Collection method: clinical testing. Allele origin: germline.

Labcorp Genetics (formerly Invitae), Labcorp
Classification: Likely benign. Last evaluated: 2025-09-28. Review status: criteria provided, single submitter. Criteria: Invitae Variant Classification Sherloc (09022015). Collection method: clinical testing. Allele origin: germline.

PreventionGenetics, part of Exact Sciences
Classification: Likely benign for HPS4-related condition. Last evaluated: 2023-11-29. Review status: no assertion criteria provided. Collection method: clinical testing. Allele origin: germline. Not counted in ClinVar's aggregate classification.
Comment: This variant is classified as likely benign based on ACMG/AMP sequence variant interpretation guidelines (Richards et al. 2015 PMID: 25741868, with internal and published modifications).

NM_022081.6(HPS4):c.609C>G (p.Thr203=)

Gene: HPS4 (HPS4 biogenesis of lysosomal organelles complex 3 subunit 2; minus strand). Cytogenetic location: 22q12.1.
Variant type: single nucleotide variant.
Coding change: c.609C>G on transcript NM_022081.6 (MANE Select); coding-DNA position 609, C replaced by G.
Protein change: p.Thr203=; no amino-acid change (threonine 203 retained).
Molecular consequence: synonymous variant. On other transcripts: non-coding transcript variant (8).
Genome position (GRCh38, 1-based): chr22:26,468,611, G>C on the plus strand (C>G on the coding strand, the complement: HPS4 is on the minus strand). VCF-style: chr22-26468611-G-C. GRCh37 (hg19) VCF-style: chr22-26864577-G-C.
Other names: c.609C>G, p.Thr203= (NM_001349896.1, NM_001349898.2, NM_001349899.2 and 7 more transcripts); c.594C>G, p.Thr198= (NM_152841.2).
Identifiers: ClinVar variation 1942222 (VCV001942222.8), dbSNP rs770511759, ClinGen allele CA10163616.
Genomic context (GRCh38, chr22:26,468,611, plus strand): 5'-CTGCTCCTGAGGTGCTGTTCGGTGAAGCAGGACCTTGGCGGTGAGGGAGGGCGGGAGTTG[G>C]GTGCTGACAATCCTAGGAGGTCACACACAGAACAAGAACACCATGAGACGAAATACACCA-3'
Protein context (NP_071364.4, residues 193-213): CILYKGLIVS[Thr203=]QLPPSLTAKV